The following is an entry in ClinVar:

NM_005045.4(RELN):c.1480A>G (p.Ile494Val)

Gene: RELN (reelin; minus strand). Cytogenetic location: 7q22.1.
Variant type: single nucleotide variant.
Coding change: c.1480A>G on transcript NM_005045.4 (MANE Select); coding-DNA position 1480, A replaced by G.
Protein change: p.Ile494Val; replaces isoleucine 494 with valine.
Molecular consequence: missense variant.
Genome position (GRCh38, 1-based): chr7:103,654,167, T>C on the plus strand (A>G on the coding strand, the complement: RELN is on the minus strand). VCF-style: chr7-103654167-T-C. GRCh37 (hg19) VCF-style: chr7-103294614-T-C.
Other names: c.1480A>G, p.Ile494Val (NM_173054.3); short protein forms I494V.
Identifiers: ClinVar variation 965291 (VCV000965291.33), dbSNP rs372015884, ClinGen allele CA4422254.
Genomic context (GRCh38, chr7:103,654,167, plus strand): 5'-AGGAAAGGGTATCCAGTGTTATATGCTCTTTTCTTCCTTCAATTTTTGCATACAGGATTA[T>C]GTCATTTTCATGAGAATTTCCAGGGTCACAAATTCCTCCTGCACAAAACAAAAATTTTAA-3'
Protein context (NP_005036.2, residues 484-504): CDPGNSHEND[Ile494Val]ILYAKIEGRK

ClinVar aggregate classification (germline): Conflicting classifications of pathogenicity. Review status: criteria provided, conflicting classifications (1 of 4 stars). 5 submissions from 5 submitters: Uncertain significance (2); Likely benign (3). Last evaluated 2025-12-26.

Conditions:
Norman-Roberts syndrome (LIS2). Also called: Lissencephaly 2 (Norman-Roberts type). Identifiers: Orphanet 89844, MedGen C0796089, MONDO:0009760, OMIM 257320.
Familial temporal lobe epilepsy 7. Identifiers: Orphanet 101046, MedGen C4225327, MONDO:0014639, OMIM 616436.
Epilepsy, familial temporal lobe, 1. Identifiers: Orphanet 101046, MedGen CN030884, MONDO:0700090, OMIM 600512.
Inborn genetic diseases. Identifiers: MedGen C0950123, MeSH D030342.

Allele frequency attached by ClinVar (database versions not stated): gnomAD 0.00001; TOPMed 0.00001; gnomAD exomes 0.00004 and 0.00008; ESP Exome Variant Server 0.00008; ExAC 0.00011.
gnomAD v4.1: 58 of 1,611,696 alleles (0.0036%); highest among the groups gnomAD compares: South Asian, 0.046%; 1 homozygote.

Submissions (5):

Labcorp Genetics (formerly Invitae), Labcorp
Classification: Likely benign for Familial temporal lobe epilepsy 7; Norman-Roberts syndrome. Last evaluated: 2025-12-26. Review status: criteria provided, single submitter. Criteria: Invitae Variant Classification Sherloc (09022015). Collection method: clinical testing. Allele origin: germline.

CeGaT Center for Human Genetics Tuebingen
Classification: Likely benign. Last evaluated: 2025-12-01. Review status: criteria provided, single submitter. Criteria: CeGaT Center For Human Genetics Tuebingen Variant Classification Criteria Version 2. Collection method: clinical testing. Allele origin: germline. Affected: yes. Observed: 4 variant alleles.
Comment: RELN: BP4

Ambry Genetics
Classification: Likely benign for Inborn genetic diseases. Last evaluated: 2025-11-20. Review status: criteria provided, single submitter. Criteria: Ambry Variant Classification Scheme 2023. Collection method: clinical testing. Allele origin: germline.

Blueprint Genetics
Classification: Uncertain significance. Last evaluated: 2024-11-17. Review status: criteria provided, single submitter. Criteria: ACMG Guidelines, 2015. Collection method: clinical testing. Allele origin: germline.

Fulgent Genetics
Classification: Uncertain significance for Norman-Roberts syndrome; Epilepsy, familial temporal lobe, 1; Familial temporal lobe epilepsy 7. Last evaluated: 2022-03-28. Review status: criteria provided, single submitter. Criteria: ACMG Guidelines, 2015. Collection method: clinical testing. Allele origin: unknown.